The following is an entry in ClinVar:

NM_005732.4(RAD50):c.1295_1299del (p.Ile432fs)

Gene: RAD50 (RAD50 double strand break repair protein; plus strand). Cytogenetic location: 5q31.1.
Variant type: Deletion.
Coding change: c.1295_1299del on transcript NM_005732.4 (MANE Select); coding-DNA positions 1295 to 1299, 5 bases deleted (TAAGA; older notation c.1295_1299delTAAGA).
Protein change: p.Ile432fs; shifts the reading frame from isoleucine 432.
Molecular consequence: frameshift variant.
Genome position (GRCh38, 1-based): chr5:132,589,680-132,589,684, TAAGA deleted; deleting any 5 consecutive bases within chr5:132,589,677-132,589,684 gives the same sequence; the c. name uses the placement nearest the transcript's 3' end. VCF-style (leftmost placement, unchanged base first): chr5-132589676-GAGATA-G. GRCh37 (hg19) VCF-style: chr5-131925368-GAGATA-G.
Other names: short protein forms I432fs.
Identifiers: ClinVar variation 457373 (VCV000457373.7), dbSNP rs1554098316, ClinGen allele CA658657506.

ClinVar aggregate classification (germline): Pathogenic (1 of 4 stars; one submission).

Conditions:
Hereditary cancer-predisposing syndrome. Also called: Neoplastic Syndromes, Hereditary; Tumor predisposition; Hereditary Cancer Syndrome; Hereditary neoplastic syndrome. Identifiers: Orphanet 140162, MedGen C0027672, MeSH D009386, MONDO:0015356.

Submission:

Labcorp Genetics (formerly Invitae), Labcorp
Classification: Pathogenic for Hereditary cancer-predisposing syndrome. Last evaluated: 2022-11-04. Review status: criteria provided, single submitter. Criteria: Invitae Variant Classification Sherloc (09022015). Collection method: clinical testing. Allele origin: germline.
Comment: For these reasons, this variant has been classified as Pathogenic. ClinVar contains an entry for this variant (Variation ID: 457373). This variant has not been reported in the literature in individuals affected with RAD50-related conditions. This variant is not present in population databases (gnomAD no frequency). This sequence change creates a premature translational stop signal (p.Ile432Argfs*2) in the RAD50 gene. It is expected to result in an absent or disrupted protein product. Loss-of-function variants in RAD50 are known to be pathogenic (PMID: 19409520).

Literature cited by the submitters: PubMed 19409520.